The following is an entry in ClinVar:

ClinVar aggregate classification (germline): Uncertain significance (1 of 4 stars; one submission).

Conditions:
Hypertrophic cardiomyopathy. Also called: HYPERTROPHIC MYOCARDIOPATHY. Identifiers: Orphanet 217569, MedGen C0007194, MeSH D002312, MONDO:0005045, HP:0001639.

gnomAD v4.1: 7 of 1,614,230 alleles (0.00043%); highest among the groups gnomAD compares: Non-Finnish European, 0.00059%; no homozygotes.

Submission:

Labcorp Genetics (formerly Invitae), Labcorp
Classification: Uncertain significance for Hypertrophic cardiomyopathy. Last evaluated: 2025-11-05. Review status: criteria provided, single submitter. Criteria: Invitae Variant Classification Sherloc (09022015). Collection method: clinical testing. Allele origin: germline.
Comment: This sequence change replaces aspartic acid, which is acidic and polar, with histidine, which is basic and polar, at codon 1731 of the MYH7 protein (p.Asp1731His). This variant is not present in population databases (gnomAD no frequency). This variant has not been reported in the literature in individuals affected with MYH7-related conditions. Invitae Evidence Modeling of protein sequence and biophysical properties (such as structural, functional, and spatial information, amino acid conservation, physicochemical variation, residue mobility, and thermodynamic stability) indicates that this missense variant is expected to disrupt MYH7 protein function with a positive predictive value of 80%. In summary, the available evidence is currently insufficient to determine the role of this variant in disease. Therefore, it has been classified as a Variant of Uncertain Significance.

NM_000257.4(MYH7):c.5191G>C (p.Asp1731His)

Genes: MHRT (myosin heavy chain associated RNA transcript; plus strand), MYH7 (myosin heavy chain 7; minus strand), LOC126861897 (BRD4-independent group 4 enhancer GRCh37_chr14:23884455-23885654; plus strand). Cytogenetic location: 14q11.2.
Variant type: single nucleotide variant.
Coding change: c.5191G>C on transcript NM_000257.4 (MANE Select); coding-DNA position 5191, G replaced by C.
Protein change: p.Asp1731His; replaces aspartic acid 1731 with histidine.
Molecular consequence: missense variant. On other transcripts: non-coding transcript variant (1).
Genome position (GRCh38, 1-based): chr14:23,415,473, C>G on the plus strand (G>C on the coding strand, the complement: MYH7 is on the minus strand). VCF-style: chr14-23415473-C-G. GRCh37 (hg19) VCF-style: chr14-23884682-C-G.
Other names: c.5191G>C, p.Asp1731His (NM_001407004.1); short protein forms D1731H.
Identifiers: ClinVar variation 4801914 (VCV004801914.1).